The following is an entry in ClinVar:

ClinVar aggregate classification (germline): Uncertain significance. Review status: criteria provided, multiple submitters, no conflicts (2 of 4 stars). 2 submissions from 2 submitters: Uncertain significance (2). Last evaluated 2025-05-15.

Conditions:
Inborn genetic diseases. Identifiers: MedGen C0950123, MeSH D030342.
Autosomal dominant Parkinson disease 8. Also called: Parkinson disease 8, susceptibility to; LRRK2-Related Parkinson Disease; Parkinson disease 8. Identifiers: Orphanet 411602, MedGen C1846862, MONDO:0011764, OMIM 607060.

Allele frequency attached by ClinVar (database versions not stated): TOPMed 0.00012; gnomAD 0.00007.
gnomAD v4.1: 20 of 1,612,430 alleles (0.0012%); highest among the groups gnomAD compares: African/African-American, 0.022%; no homozygotes.

Submissions (2):

Labcorp Genetics (formerly Invitae), Labcorp
Classification: Uncertain significance for Autosomal dominant Parkinson disease 8. Last evaluated: 2025-05-15. Review status: criteria provided, single submitter. Criteria: Invitae Variant Classification Sherloc (09022015). Collection method: clinical testing. Allele origin: germline.
Comment: This sequence change replaces glutamic acid, which is acidic and polar, with alanine, which is neutral and non-polar, at codon 1493 of the LRRK2 protein (p.Glu1493Ala). This variant is present in population databases (rs763667610, gnomAD 0.02%). This variant has not been reported in the literature in individuals affected with LRRK2-related conditions. ClinVar contains an entry for this variant (Variation ID: 2489380). Invitae Evidence Modeling of protein sequence and biophysical properties (such as structural, functional, and spatial information, amino acid conservation, physicochemical variation, residue mobility, and thermodynamic stability) has been performed for this missense variant. However, the output from this modeling did not meet the statistical confidence thresholds required to predict the impact of this variant on LRRK2 protein function. In summary, the available evidence is currently insufficient to determine the role of this variant in disease. Therefore, it has been classified as a Variant of Uncertain Significance.

Ambry Genetics
Classification: Uncertain significance for Inborn genetic diseases. Last evaluated: 2024-08-01. Review status: criteria provided, single submitter. Criteria: Ambry Variant Classification Scheme 2023. Collection method: clinical testing. Allele origin: germline.

NM_198578.4(LRRK2):c.4478A>C (p.Glu1493Ala)

Gene: LRRK2 (leucine rich repeat kinase 2; plus strand). Cytogenetic location: 12q12.
Variant type: single nucleotide variant.
Coding change: c.4478A>C on transcript NM_198578.4 (MANE Select); coding-DNA position 4478, A replaced by C.
Protein change: p.Glu1493Ala; replaces glutamic acid 1493 with alanine.
Molecular consequence: missense variant.
Genome position (GRCh38, 1-based): chr12:40,310,591, A>C. VCF-style: chr12-40310591-A-C. GRCh37 (hg19) VCF-style: chr12-40704393-A-C.
Other names: short protein forms E1493A.
Identifiers: ClinVar variation 2489380 (VCV002489380.5), dbSNP rs763667610, ClinGen allele CA6514186.
Genomic context (GRCh38, chr12:40,310,591, plus strand): 5'-TCCTGAATAAGCGAGGGTTCCCTGCCATACGAGATTACCACTTTGTGAATGCCACCGAGG[A>C]ATCTGATGCTTTGGCAAAACTTCGGAAAACCATCATAAACGAGAGCCTTAATTTCAAGGT-3'
Protein context (NP_940980.4, residues 1483-1503): RDYHFVNATE[Glu1493Ala]SDALAKLRKT